The following is an entry in ClinVar:

NM_198576.4(AGRN):c.4201C>T (p.Arg1401Trp)

Gene: AGRN (agrin; plus strand). Cytogenetic location: 1p36.33.
Variant type: single nucleotide variant.
Coding change: c.4201C>T on transcript NM_198576.4 (MANE Select); coding-DNA position 4201, C replaced by T.
Protein change: p.Arg1401Trp; replaces arginine 1401 with tryptophan.
Molecular consequence: missense variant.
Genome position (GRCh38, 1-based): chr1:1,048,962, C>T. VCF-style: chr1-1048962-C-T. GRCh37 (hg19) VCF-style: chr1-984342-C-T.
Other names: c.4201C>T, p.Arg1401Trp (NM_001305275.2); c.3886C>T, p.Arg1296Trp (NM_001364727.2); short protein forms R1401W, R1296W.
Identifiers: ClinVar variation 948263 (VCV000948263.8), dbSNP rs758090504, ClinGen allele CA509352.

ClinVar aggregate classification (germline): Uncertain significance (1 of 4 stars; one submission).

Conditions:
Congenital myasthenic syndrome 8. Also called: Myasthenic syndrome, congenital, 8, with pre- and postsynaptic defects; MYASTHENIC SYNDROME, CONGENITAL, DUE TO AGRIN DEFICIENCY. Identifiers: Orphanet 590, MedGen C3808739, MONDO:0014052, OMIM 615120.

Allele frequency attached by ClinVar (database versions not stated): gnomAD 0.00001; gnomAD exomes 0.00004; TOPMed 0.00002; ExAC 0.00015.
gnomAD v4.1: 19 of 1,571,408 alleles (0.0012%); highest among the groups gnomAD compares: Admixed American, 0.0073%; no homozygotes.

Submission:

Labcorp Genetics (formerly Invitae), Labcorp
Classification: Uncertain significance for Congenital myasthenic syndrome 8. Last evaluated: 2023-09-06. Review status: criteria provided, single submitter. Criteria: Invitae Variant Classification Sherloc (09022015). Collection method: clinical testing. Allele origin: germline.
Comment: The frequency data for this variant in the population databases is considered unreliable, as metrics indicate poor data quality at this position in the gnomAD database. In summary, the available evidence is currently insufficient to determine the role of this variant in disease. Therefore, it has been classified as a Variant of Uncertain Significance. An algorithm developed to predict the effect of missense changes on protein structure and function (PolyPhen-2) suggests that this variant is likely to be disruptive. ClinVar contains an entry for this variant (Variation ID: 948263). This variant has not been reported in the literature in individuals affected with AGRN-related conditions. This sequence change replaces arginine, which is basic and polar, with tryptophan, which is neutral and slightly polar, at codon 1401 of the AGRN protein (p.Arg1401Trp).